The following is an entry in ClinVar:

NM_003072.5(SMARCA4):c.3445T>A (p.Tyr1149Asn)

Gene: SMARCA4 (SWI/SNF related BAF chromatin remodeling complex subunit ATPase 4; plus strand). Cytogenetic location: 19p13.2.
Variant type: single nucleotide variant.
Coding change: c.3445T>A on transcript NM_003072.5 (MANE Select); coding-DNA position 3445, T replaced by A.
Protein change: p.Tyr1149Asn; replaces tyrosine 1149 with asparagine.
Molecular consequence: missense variant. On other transcripts: non-coding transcript variant (1).
Genome position (GRCh38, 1-based): chr19:11,030,792, T>A. VCF-style: chr19-11030792-T-A. GRCh37 (hg19) VCF-style: chr19-11141468-T-A.
Other names: c.3445T>A, p.Tyr1149Asn (NM_001411150.1, NM_001128844.3, NM_001128845.2 and 6 more transcripts); short protein forms Y1149N.
Identifiers: ClinVar variation 3446023 (VCV003446023.1).
Genomic context (GRCh38, chr19:11,030,792, plus strand): 5'-ACCACGAAGGCGGAGGACCGGGGCATGCTGCTGAAAACCTTCAACGAGCCCGGCTCTGAG[T>A]ACTTCATCTTCCTGCTCAGCACCCGGGCTGGGGGGCTCGGCCTGAACCTCCAGTCGGCAG-3'
Protein context (NP_003063.2, residues 1139-1159): LKTFNEPGSE[Tyr1149Asn]FIFLLSTRAG

ClinVar aggregate classification (germline): Uncertain significance (1 of 4 stars; one submission).

Conditions:
Hereditary cancer-predisposing syndrome. Also called: Tumor predisposition; Neoplastic Syndromes, Hereditary; Hereditary neoplastic syndrome; Hereditary Cancer Syndrome. Identifiers: Orphanet 140162, MedGen C0027672, MeSH D009386, MONDO:0015356.

Submission:

Ambry Genetics
Classification: Uncertain significance for Hereditary cancer-predisposing syndrome. Last evaluated: 2024-11-03. Review status: criteria provided, single submitter. Criteria: Ambry Variant Classification Scheme 2023. Collection method: clinical testing. Allele origin: germline.
Comment: The p.Y1149N variant (also known as c.3445T>A), located in coding exon 24 of the SMARCA4 gene, results from a T to A substitution at nucleotide position 3445. The tyrosine at codon 1149 is replaced by asparagine, an amino acid with dissimilar properties. This amino acid position is conserved. In addition, this alteration is predicted to be deleterious by in silico analysis. Based on the available evidence, the clinical significance of this variant remains unclear.